The following is an entry in ClinVar:

ClinVar aggregate classification (germline): Uncertain significance (1 of 4 stars; one submission).

Conditions:
Inborn genetic diseases. Identifiers: MedGen C0950123, MeSH D030342.

Submission:

Ambry Genetics
Classification: Uncertain significance for Inborn genetic diseases. Last evaluated: 2025-03-29. Review status: criteria provided, single submitter. Criteria: Ambry Variant Classification Scheme 2023. Collection method: clinical testing. Allele origin: germline.
Comment: The p.D262Y variant (also known as c.784G>T), located in coding exon 8 of the AKT1 gene, results from a G to T substitution at nucleotide position 784. The aspartic acid at codon 262 is replaced by tyrosine, an amino acid with highly dissimilar properties. This amino acid position is conserved. In addition, this alteration is predicted to be deleterious by in silico analysis. Based on the available evidence, the clinical significance of this variant remains unclear.

NM_001382430.1(AKT1):c.784G>T (p.Asp262Tyr)

Gene: AKT1 (AKT serine/threonine kinase 1; minus strand). Cytogenetic location: 14q32.33.
Variant type: single nucleotide variant.
Coding change: c.784G>T on transcript NM_001382430.1 (MANE Select); coding-DNA position 784, G replaced by T.
Protein change: p.Asp262Tyr; replaces aspartic acid 262 with tyrosine.
Molecular consequence: missense variant.
Genome position (GRCh38, 1-based): chr14:104,773,499, C>A on the plus strand (G>T on the coding strand, the complement: AKT1 is on the minus strand). VCF-style: chr14-104773499-C-A. GRCh37 (hg19) VCF-style: chr14-105239836-C-A.
Other names: c.784G>T, p.Asp262Tyr (NM_001014431.2, NM_001014432.2, NM_001382431.1 and 3 more transcripts); short protein forms D262Y.
Identifiers: ClinVar variation 4035953 (VCV004035953.1).